The following is an entry in ClinVar:

ClinVar aggregate classification (germline): Uncertain significance. Review status: criteria provided, multiple submitters, no conflicts (2 of 4 stars). 2 submissions from 2 submitters: Uncertain significance (2). Last evaluated 2025-01-26.

Conditions:
Inborn genetic diseases. Identifiers: MedGen C0950123, MeSH D030342.

Allele frequency attached by ClinVar (database versions not stated): gnomAD 0.00002; ESP Exome Variant Server 0.00008.
gnomAD v4.1: 64 of 1,614,030 alleles (0.004%); highest among the groups gnomAD compares: Non-Finnish European, 0.0053%; no homozygotes.

Submissions (2):

Ambry Genetics
Classification: Uncertain significance for Inborn genetic diseases. Last evaluated: 2025-01-26. Review status: criteria provided, single submitter. Criteria: Ambry Variant Classification Scheme 2023. Collection method: clinical testing. Allele origin: germline.

Labcorp Genetics (formerly Invitae), Labcorp
Classification: Uncertain significance. Last evaluated: 2022-07-21. Review status: criteria provided, single submitter. Criteria: Invitae Variant Classification Sherloc (09022015). Collection method: clinical testing. Allele origin: germline.
Comment: This variant is present in population databases (rs142098011, gnomAD 0.008%). This sequence change replaces arginine, which is basic and polar, with glycine, which is neutral and non-polar, at codon 121 of the GTPBP2 protein (p.Arg121Gly). This variant has not been reported in the literature in individuals affected with GTPBP2-related conditions. Algorithms developed to predict the effect of missense changes on protein structure and function (SIFT, PolyPhen-2, Align-GVGD) all suggest that this variant is likely to be tolerated. In summary, the available evidence is currently insufficient to determine the role of this variant in disease. Therefore, it has been classified as a Variant of Uncertain Significance.

NM_019096.5(GTPBP2):c.361C>G (p.Arg121Gly)

Gene: GTPBP2 (GTP binding protein 2; minus strand). Cytogenetic location: 6p21.1.
Variant type: single nucleotide variant.
Coding change: c.361C>G on transcript NM_019096.5 (MANE Select); coding-DNA position 361, C replaced by G.
Protein change: p.Arg121Gly; replaces arginine 121 with glycine.
Molecular consequence: missense variant.
Genome position (GRCh38, 1-based): chr6:43,626,263, G>C on the plus strand (C>G on the coding strand, the complement: GTPBP2 is on the minus strand). VCF-style: chr6-43626263-G-C. GRCh37 (hg19) VCF-style: chr6-43594000-G-C.
Other names: c.97C>G, p.Arg33Gly (NM_001286216.2); short protein forms R33G, R121G.
Identifiers: ClinVar variation 2192591 (VCV002192591.6), dbSNP rs142098011, ClinGen allele CA3827824.
Genomic context (GRCh38, chr6:43,626,263, plus strand): 5'-CTGGTGGGGAAGGGGAAGCATACTTCTCTGCCATCCGGTGCAGGGTCTTGAGCGAAGCTC[G>C]CATTTCCTCCTCAGCCAGCCCCACCAGCAGCCCATTGTCCTCTACCCCAATCTGGTAGAC-3'
Protein context (NP_061969.3, residues 111-131): LLVGLAEEEM[Arg121Gly]ASLKTLHRMA